The following is an entry in ClinVar:

ClinVar aggregate classification (germline): Benign (1 of 4 stars; one submission).

Conditions:
Retinal cone dystrophy 4 (RCD4). Identifiers: Orphanet 1872, MedGen C1864849, MONDO:0012507, OMIM 610478.

Allele frequency attached by ClinVar (database versions not stated): 1000 Genomes Project 30x 0.00703; 1000 Genomes Project 0.00719; gnomAD 0.00799 and 0.00865; TOPMed 0.00882.

Submission:

Illumina Laboratory Services, Illumina
Classification: Benign for Retinal cone dystrophy 4. Last evaluated: 2018-01-13. Review status: criteria provided, single submitter. Criteria: ICSL Variant Classification Criteria 13 December 2019. Collection method: clinical testing. Allele origin: germline.
Comment: This variant was observed in the ICSL laboratory as part of a predisposition screen in an ostensibly healthy population. It had not been previously curated by ICSL or reported in the Human Gene Mutation Database (HGMD: prior to June 1st, 2018), and was therefore a candidate for classification through an automated scoring system. Utilizing variant allele frequency, disease prevalence and penetrance estimates, and inheritance mode, an automated score was calculated to assess if this variant is too frequent to cause the disease. Based on the score and internal cut-off values, a variant classified as benign is not then subjected to further curation. The score for this variant resulted in a classification of benign for this disease.

NM_172364.5(CACNA2D4):c.*1217C>G

Gene: CACNA2D4 (calcium voltage-gated channel auxiliary subunit alpha2delta 4; minus strand). Cytogenetic location: 12p13.33.
Variant type: single nucleotide variant.
Coding change: c.*1217C>G on transcript NM_172364.5 (MANE Select); 1217 bases downstream of the stop codon, C replaced by G.
Molecular consequence: 3 prime UTR variant.
Genome position (GRCh38, 1-based): chr12:1,792,438, G>C on the plus strand (C>G on the coding strand, the complement: CACNA2D4 is on the minus strand). VCF-style: chr12-1792438-G-C. GRCh37 (hg19) VCF-style: chr12-1901604-G-C.
Identifiers: ClinVar variation 307810 (VCV000307810.5), dbSNP rs151263240, ClinGen allele CA10632309.